The following is an entry in ClinVar:

NM_001142416.2(AIMP1):c.73C>A (p.Leu25Ile)

Gene: AIMP1 (aminoacyl tRNA synthetase complex interacting multifunctional protein 1; plus strand). Cytogenetic location: 4q24.
Variant type: single nucleotide variant.
Coding change: c.73C>A on transcript NM_001142416.2 (MANE Select); coding-DNA position 73, C replaced by A.
Protein change: p.Leu25Ile; replaces leucine 25 with isoleucine.
Molecular consequence: missense variant.
Genome position (GRCh38, 1-based): chr4:106,325,082, C>A. VCF-style: chr4-106325082-C-A. GRCh37 (hg19) VCF-style: chr4-107246239-C-A.
Other names: c.73C>A, p.Leu25Ile (NM_001142415.2, NM_004757.4); short protein forms L25I.
Identifiers: ClinVar variation 3372766 (VCV003372766.1).

ClinVar aggregate classification (germline): Uncertain significance (1 of 4 stars; one submission).

gnomAD v4.1: 5 of 1,612,726 alleles (0.00031%); highest among the groups gnomAD compares: Admixed American, 0.0033%; no homozygotes.

Submission:

GeneDx
Classification: Uncertain significance. Last evaluated: 2024-04-23. Review status: criteria provided, single submitter. Criteria: GeneDx Variant Classification Process June 2021. Collection method: clinical testing. Allele origin: germline. Affected: yes.
Comment: Not observed at significant frequency in large population cohorts (gnomAD); In silico analysis indicates that this missense variant does not alter protein structure/function; Has not been previously published as pathogenic or benign to our knowledge